The following is an entry in ClinVar:

ClinVar aggregate classification (germline): Likely benign (1 of 4 stars; one submission).

Allele frequency attached by ClinVar (database versions not stated): gnomAD exomes 0.00001.
gnomAD v4.1: 12 of 1,587,538 alleles (0.00076%); highest among the groups gnomAD compares: Non-Finnish European, 0.001%; no homozygotes.

Submission:

GeneDx
Classification: Likely benign. Last evaluated: 2018-05-18. Review status: criteria provided, single submitter. Criteria: GeneDx Variant Classification (06012015). Collection method: clinical testing. Allele origin: germline. Affected: yes.
Comment: This variant is considered likely benign or benign based on one or more of the following criteria: it is a conservative change, it occurs at a poorly conserved position in the protein, it is predicted to be benign by multiple in silico algorithms, and/or has population frequency not consistent with disease.

NM_001267550.2(TTN):c.8902+12A>T

Gene: TTN (titin; minus strand). Cytogenetic location: 2q31.2.
Variant type: single nucleotide variant.
Coding change: c.8902+12A>T on transcript NM_001267550.2 (MANE Select); 12 bases into the intron after coding-DNA position 8902, A replaced by T.
Molecular consequence: intron variant.
Genome position (GRCh38, 1-based): chr2:178,769,667, T>A on the plus strand (A>T on the coding strand, the complement: TTN is on the minus strand). VCF-style: chr2-178769667-T-A. GRCh37 (hg19) VCF-style: chr2-179634394-T-A.
Other names: c.8902+12A>T (NM_001256850.1, NM_133378.4, NM_133379.5); c.8764+12A>T (NM_003319.4, NM_133437.4, NM_133432.3).
Identifiers: ClinVar variation 669911 (VCV000669911.1), dbSNP rs1023012087, ClinGen allele CA61003160.